The following is an entry in ClinVar:

ClinVar aggregate classification (germline): Benign/Likely benign. Review status: criteria provided, multiple submitters, no conflicts (2 of 4 stars). 2 submissions from 2 submitters: Benign (1); Likely benign (1). Last evaluated 2025-09-23.

Conditions:
Arrhythmogenic right ventricular cardiomyopathy (ARVD). Also called: Arrhythmogenic right ventricular dysplasia; Cardiomyopathy, ARVC; Arrhythmogenic cardiomyopathy; Arrhythmogenic Right Ventricular Cardiomyopathy (ARVC). Identifiers: Orphanet 247, MedGen C0349788, MeSH D019571, MONDO:0016587. Disease mechanism: loss of function. Inheritance: Various modes of inheritance.
Arrhythmogenic right ventricular dysplasia 9 (ARVD9). Also called: ARRHYTHMOGENIC RIGHT VENTRICULAR DYSPLASIA, FAMILIAL, 9; Arrhythmogenic Right Ventricular Dysplasia/Cardiomyopathy 9. Identifiers: MedGen C1836906, MONDO:0012180, OMIM 609040.

Submissions (2):

Labcorp Genetics (formerly Invitae), Labcorp
Classification: Benign for Arrhythmogenic right ventricular dysplasia 9. Last evaluated: 2025-09-23. Review status: criteria provided, single submitter. Criteria: Invitae Variant Classification Sherloc (09022015). Collection method: clinical testing. Allele origin: germline.

All of Us Research Program, National Institutes of Health
Classification: Likely benign for Arrhythmogenic right ventricular cardiomyopathy. Last evaluated: 2024-04-25. Review status: criteria provided, single submitter. Criteria: ACMG Guidelines, 2015. Collection method: clinical testing. Allele origin: germline. Inheritance: Autosomal dominant inheritance. Observed: 1 variant allele, 1 heterozygote.
Comment: This study involves interpretation of variants in research participants for the purpose of population health screening. Participant phenotype was not available at the time of variant classification. Additional details can be found in publication PMID: 35346344, PMCID: PMC8962531

NM_001005242.3(PKP2):c.1557-15dup

Gene: PKP2 (plakophilin 2; minus strand). Cytogenetic location: 12p11.21.
Variant type: Duplication.
Coding change: c.1557-15dup on transcript NM_001005242.3 (MANE Select); 15 bases into the intron before coding-DNA position 1557, one base duplicated (T; older notation c.1557-15dupT).
Molecular consequence: intron variant.
Genome position (GRCh38, 1-based): chr12:32,824,177, A duplicated on the plus strand (T on the coding strand, the reverse complement: PKP2 is on the minus strand); the first of 6 consecutive A bases (chr12:32,824,177-32,824,182); duplicating any one gives the same sequence. VCF-style (leftmost placement, unchanged base first): chr12-32824176-C-CA. GRCh37 (hg19) VCF-style: chr12-32977110-C-CA.
Other names: c.1230-15dup (NM_001407158.1, NM_001407162.1, NM_001407160.1 and 1 more transcripts); c.1557-15dup (NM_001407161.1, NM_001407156.1, NM_001407155.1); c.1689-15dup (NM_001407157.1, NM_004572.4).
Identifiers: ClinVar variation 3004937 (VCV003004937.4), dbSNP rs1565581753, ClinGen allele CA2550101646.
Genomic context (GRCh38, chr12:32,824,176, plus strand): 5'-ATCTTCTCATCGCTTTTCTCCCATCAGCGCCAGCAGAACTCATGTTTCTATCAGAAAAAA[C>CA]AAAAAACAAAAAAGTAAGTCTAGGCTGTGTATCCAACAGGTCTTTGTTTTGAAGTTTTAC-3'